The following is an entry in ClinVar:

ClinVar aggregate classification (germline): Uncertain significance (1 of 4 stars; one submission).

Conditions:
Spermatogenic failure 18. Identifiers: MedGen C4539783, MONDO:0054615, OMIM 617576.
Ciliary dyskinesia, primary, 37 (CILD37). Also called: CILIARY DYSKINESIA, PRIMARY, 37, WITH OR WITHOUT SITUS INVERSUS. Identifiers: MedGen C4539798, MONDO:0033204, OMIM 617577.

Allele frequency attached by ClinVar (database versions not stated): gnomAD exomes below 0.00001; TOPMed below 0.00001.
gnomAD v4.1: 4 of 1,614,014 alleles (0.00025%); highest among the groups gnomAD compares: African/African-American, 0.0053%; no homozygotes.

Submission:

Labcorp Genetics (formerly Invitae), Labcorp
Classification: Uncertain significance for Ciliary dyskinesia, primary, 37; Spermatogenic failure 18. Last evaluated: 2020-05-27. Review status: criteria provided, single submitter. Criteria: Invitae Variant Classification Sherloc (09022015). Collection method: clinical testing. Allele origin: germline.
Comment: Algorithms developed to predict the effect of missense changes on protein structure and function output the following: SIFT: "Tolerated"; PolyPhen-2: "Benign"; Align-GVGD: "Class C0". The histidine amino acid residue is found in multiple mammalian species, suggesting that this missense change does not adversely affect protein function. These predictions have not been confirmed by published functional studies and their clinical significance is uncertain. This variant has not been reported in the literature in individuals with DNAH1-related conditions. This variant is not present in population databases (ExAC no frequency). In summary, the available evidence is currently insufficient to determine the role of this variant in disease. Therefore, it has been classified as a Variant of Uncertain Significance. This sequence change replaces glutamine with histidine at codon 2635 of the DNAH1 protein (p.Gln2635His). The glutamine residue is weakly conserved and there is a small physicochemical difference between glutamine and histidine.

NM_015512.5(DNAH1):c.7905G>C (p.Gln2635His)

Gene: DNAH1 (dynein axonemal heavy chain 1; plus strand). Cytogenetic location: 3p21.1.
Variant type: single nucleotide variant.
Coding change: c.7905G>C on transcript NM_015512.5 (MANE Select); coding-DNA position 7905, G replaced by C.
Protein change: p.Gln2635His; replaces glutamine 2635 with histidine.
Molecular consequence: missense variant.
Genome position (GRCh38, 1-based): chr3:52,382,419, G>C. VCF-style: chr3-52382419-G-C. GRCh37 (hg19) VCF-style: chr3-52416435-G-C.
Other names: short protein forms Q2635H.
Identifiers: ClinVar variation 1024564 (VCV001024564.5), dbSNP rs1703891928, ClinGen allele CA353183068.